The following is an entry in ClinVar:

NM_004333.6(BRAF):c.1314+12T>C

Gene: BRAF (B-Raf proto-oncogene, serine/threonine kinase; minus strand). Cytogenetic location: 7q34.
Variant type: single nucleotide variant.
Coding change: c.1314+12T>C on transcript NM_004333.6 (MANE Select); 12 bases into the intron after coding-DNA position 1314, T replaced by C.
Molecular consequence: intron variant.
Genome position (GRCh38, 1-based): chr7:140,783,009, A>G on the plus strand (T>C on the coding strand, the complement: BRAF is on the minus strand). VCF-style: chr7-140783009-A-G. GRCh37 (hg19) VCF-style: chr7-140482809-A-G.
Other names: c.1314+12T>C (NM_001378474.1, NM_001378468.1, NM_001354609.2); c.1212+12T>C (NM_001378470.1); c.1050+12T>C (NM_001378475.1); c.1203+12T>C (NM_001378471.1); c.1434+12T>C (NM_001374258.1, NM_001374244.1); c.1323+12T>C (NM_001378467.1); c.1158+12T>C (NM_001378472.1, NM_001378473.1); c.1248+12T>C (NM_001378469.1).
Identifiers: ClinVar variation 381916 (VCV000381916.9), dbSNP rs765090629, ClinGen allele CA4516765.

ClinVar aggregate classification (germline): Likely benign. Review status: criteria provided, multiple submitters, no conflicts (2 of 4 stars). 3 submissions from 3 submitters: Likely benign (3). Last evaluated 2026-02-02.

Conditions:
RASopathy. Also called: rasopathies; Noonan spectrum disorder. Identifiers: Orphanet 536391, MedGen C5555857, MONDO:0021060.

Allele frequency attached by ClinVar (database versions not stated): ExAC 0.00001; gnomAD 0.00001; TOPMed 0.00001; gnomAD exomes 0.00002.
gnomAD v4.1: 43 of 1,612,810 alleles (0.0027%); highest among the groups gnomAD compares: Non-Finnish European, 0.0031%; no homozygotes.

Submissions (3):

Labcorp Genetics (formerly Invitae), Labcorp
Classification: Likely benign for RASopathy. Last evaluated: 2026-02-02. Review status: criteria provided, single submitter. Criteria: Invitae Variant Classification Sherloc (09022015). Collection method: clinical testing. Allele origin: germline.

Women's Health and Genetics/Laboratory Corporation of America, LabCorp
Classification: Likely benign. Last evaluated: 2025-11-26. Review status: criteria provided, single submitter. Criteria: LabCorp Variant Classification Summary - May 2015. Collection method: clinical testing. Allele origin: germline.
Comment: Variant summary: BRAF c.1314+12T>C alters a non-conserved nucleotide located at a position not widely known to affect splicing. Consensus agreement among computation tools predict no significant impact on normal splicing. However, these predictions have yet to be confirmed by functional studies. The variant allele was found at a frequency of 1.6e-05 in 251210 control chromosomes. The available data on variant occurrences in the general population are insufficient to allow any conclusion about variant significance. To our knowledge, no occurrence of c.1314+12T>C in individuals affected with BRAF-related conditions and no experimental evidence demonstrating its impact on protein function have been reported. ClinVar contains an entry for this variant (Variation ID: 381916). Based on the evidence outlined above, the variant was classified as likely benign.

GeneDx
Classification: Likely benign. Last evaluated: 2015-11-30. Review status: criteria provided, single submitter. Criteria: GeneDx Variant Classification (06012015). Collection method: clinical testing. Allele origin: germline. Affected: yes.
Comment: This variant is considered likely benign or benign based on one or more of the following criteria: it is a conservative change, it occurs at a poorly conserved position in the protein, it is predicted to be benign by multiple in silico algorithms, and/or has population frequency not consistent with disease.

Literature cited by the submitters: PubMed 24920063 (cited by Women's Health and Genetics/Laboratory Corporation of America, LabCorp); PubMed 24446311 (cited by Women's Health and Genetics/Laboratory Corporation of America, LabCorp); PubMed 26732095 (cited by Women's Health and Genetics/Laboratory Corporation of America, LabCorp); PubMed 28947956 (cited by Women's Health and Genetics/Laboratory Corporation of America, LabCorp); PubMed 27276561 (cited by Women's Health and Genetics/Laboratory Corporation of America, LabCorp).